The following is an entry in ClinVar:

ClinVar aggregate classification (germline): Uncertain significance (1 of 4 stars; one submission).

Conditions:
Inborn genetic diseases. Identifiers: MedGen C0950123, MeSH D030342.

Submission:

Ambry Genetics
Classification: Uncertain significance for Inborn genetic diseases. Last evaluated: 2025-06-14. Review status: criteria provided, single submitter. Criteria: Ambry Variant Classification Scheme 2023. Collection method: clinical testing. Allele origin: germline.
Comment: The p.C723G variant (also known as c.2167T>G), located in coding exon 17 of the BUB1B gene, results from a T to G substitution at nucleotide position 2167. The cysteine at codon 723 is replaced by glycine, an amino acid with highly dissimilar properties. This amino acid position is conserved. In addition, the in silico prediction for this alteration is inconclusive. Based on the available evidence, the clinical significance of this variant remains unclear.

NM_001211.6(BUB1B):c.2167T>G (p.Cys723Gly)

Gene: BUB1B (BUB1 mitotic checkpoint serine/threonine kinase B; plus strand). Cytogenetic location: 15q15.1.
Variant type: single nucleotide variant.
Coding change: c.2167T>G on transcript NM_001211.6 (MANE Select); coding-DNA position 2167, T replaced by G.
Protein change: p.Cys723Gly; replaces cysteine 723 with glycine.
Molecular consequence: missense variant.
Genome position (GRCh38, 1-based): chr15:40,209,658, T>G. VCF-style: chr15-40209658-T-G. GRCh37 (hg19) VCF-style: chr15-40501859-T-G.
Other names: short protein forms C723G.
Identifiers: ClinVar variation 3993750 (VCV003993750.1).
Genomic context (GRCh38, chr15:40,209,658, plus strand): 5'-TTGGTGATATATTTTCACCTTTCCCTCCCACTGGCAGAAAACCCTACTCAGTCACCATGG[T>G]GTTCACAGTATCGCAGACAGCTACTGAAGTCCCTACCAGAGTTAAGTGCCTCTGCAGAGT-3'
Protein context (NP_001202.5, residues 713-733): TSENPTQSPW[Cys723Gly]SQYRRQLLKS